The following is an entry in ClinVar:

NM_182758.4(WDR72):c.99G>T (p.Val33=)

Gene: WDR72 (WD repeat domain 72; minus strand). Cytogenetic location: 15q21.3.
Variant type: single nucleotide variant.
Coding change: c.99G>T on transcript NM_182758.4 (MANE Select); coding-DNA position 99, G replaced by T.
Protein change: p.Val33=; no amino-acid change (valine 33 retained).
Molecular consequence: synonymous variant. On other transcripts: non-coding transcript variant (1).
Genome position (GRCh38, 1-based): chr15:53,733,051, C>A on the plus strand (G>T on the coding strand, the complement: WDR72 is on the minus strand). VCF-style: chr15-53733051-C-A. GRCh37 (hg19) VCF-style: chr15-54025248-C-A.
Other names: p.Val33=.
Identifiers: ClinVar variation 316604 (VCV000316604.8), dbSNP rs144767107, ClinGen allele CA7571542.

ClinVar aggregate classification (germline): Conflicting classifications of pathogenicity. Review status: criteria provided, conflicting classifications (1 of 4 stars). 4 submissions from 4 submitters: Uncertain significance (2); Benign (1); Likely benign (1). Last evaluated 2025-01-21.

Conditions:
Amelogenesis imperfecta hypomaturation type 2A3. Also called: Amelogenesis imperfecta, type IIA3. Identifiers: Orphanet 88661, MedGen C2750771, MONDO:0013181, OMIM 613211. Disease mechanism: loss of function.

Allele frequency attached by ClinVar (database versions not stated): 1000 Genomes Project 0.00140; 1000 Genomes Project 30x 0.00203; TOPMed 0.00213; gnomAD 0.00222; ESP Exome Variant Server 0.00254.
gnomAD v4.1: 5,453 of 1,614,026 alleles (0.34%); highest among the groups gnomAD compares: Non-Finnish European, 0.41%; 16 homozygotes.

Submissions (4):

Mayo Clinic Laboratories, Mayo Clinic
Classification: Benign. Last evaluated: 2025-01-21. Review status: criteria provided, single submitter. Criteria: ACMG Guidelines, 2015. Collection method: clinical testing. Allele origin: germline. Observed: 1 variant allele.
Comment: BS1, BS2, BP4, BP7

Blueprint Genetics
Classification: Likely benign. Last evaluated: 2024-11-27. Review status: criteria provided, single submitter. Criteria: ACMG Guidelines, 2015. Collection method: clinical testing. Allele origin: germline.

Illumina Laboratory Services, Illumina
Classification: Uncertain significance for Amelogenesis imperfecta hypomaturation type 2A3. Last evaluated: 2018-01-12. Review status: criteria provided, single submitter. Criteria: ICSL Variant Classification Criteria 13 December 2019. Collection method: clinical testing. Allele origin: germline.

Breakthrough Genomics
Classification: Uncertain significance. Review status: criteria provided, single submitter. Criteria: ACMG Guidelines, 2015. Collection method: not provided. Allele origin: germline. Inheritance: Autosomal recessive inheritance. Affected: yes.